The following is an entry in ClinVar:

NM_198252.3(GSN):c.1604G>A (p.Gly535Asp)

Gene: GSN (gelsolin; plus strand). Cytogenetic location: 9q33.2.
Variant type: single nucleotide variant.
Coding change: c.1604G>A on transcript NM_198252.3 (MANE Select); coding-DNA position 1604, G replaced by A.
Protein change: p.Gly535Asp; replaces glycine 535 with aspartic acid.
Molecular consequence: missense variant.
Genome position (GRCh38, 1-based): chr9:121,327,324, G>A. VCF-style: chr9-121327324-G-A. GRCh37 (hg19) VCF-style: chr9-124089602-G-A.
Other names: c.1757G>A, p.Gly586Asp (NM_000177.5); c.1604G>A, p.Gly535Asp (NM_001127662.2, NM_001127664.2, NM_001127665.2 and 10 more transcripts); c.1712G>A, p.Gly571Asp (NM_001127663.2); c.1637G>A, p.Gly546Asp (NM_001127666.2, NM_001127667.2, NM_001353063.2 and 13 more transcripts); c.1655G>A, p.Gly552Asp (NM_001258029.2); c.1628G>A, p.Gly543Asp (NM_001258030.2); c.1676G>A, p.Gly559Asp (NM_001353076.2); c.950G>A, p.Gly317Asp (NM_001353078.2); short protein forms G543D, G559D, G586D, G317D, G535D, G546D, G571D, G552D.
Identifiers: ClinVar variation 1972324 (VCV001972324.5), dbSNP rs1230214570, ClinGen allele CA374755604.

ClinVar aggregate classification (germline): Uncertain significance (1 of 4 stars; one submission).

Allele frequency attached by ClinVar (database versions not stated): gnomAD exomes below 0.00001; TOPMed below 0.00001; gnomAD 0.00001.
gnomAD v4.1: 5 of 1,613,882 alleles (0.00031%); highest among the groups gnomAD compares: African/African-American, 0.004%; no homozygotes.

Submission:

Labcorp Genetics (formerly Invitae), Labcorp
Classification: Uncertain significance. Last evaluated: 2022-09-22. Review status: criteria provided, single submitter. Criteria: Invitae Variant Classification Sherloc (09022015). Collection method: clinical testing. Allele origin: germline.
Comment: This variant has not been reported in the literature in individuals affected with GSN-related conditions. In summary, the available evidence is currently insufficient to determine the role of this variant in disease. Therefore, it has been classified as a Variant of Uncertain Significance. Advanced modeling of protein sequence and biophysical properties (such as structural, functional, and spatial information, amino acid conservation, physicochemical variation, residue mobility, and thermodynamic stability) performed at Invitae indicates that this missense variant is not expected to disrupt GSN protein function. This variant is present in population databases (no rsID available, gnomAD 0.003%). This sequence change replaces glycine, which is neutral and non-polar, with aspartic acid, which is acidic and polar, at codon 586 of the GSN protein (p.Gly586Asp).